The following is an entry in ClinVar:

ClinVar aggregate classification (germline): Pathogenic (1 of 4 stars; one submission).

Conditions:
Polycystic kidney disease, adult type (PKD1). Also called: POLYCYSTIC KIDNEY DISEASE 1 WITH OR WITHOUT POLYCYSTIC LIVER DISEASE; POLYCYSTIC KIDNEY DISEASE, ADULT, TYPE I; Polycystic Kidney Disease 1, Autosomal Dominant; Polycystic kidney disease 1; Polycystic kidney disease 1, severe; Polycystic Kidney, Autosomal Dominant. Identifiers: MedGen C3149841, MONDO:0008263, OMIM 173900.

Submission:

Women's Health and Genetics/Laboratory Corporation of America, LabCorp
Classification: Pathogenic for Polycystic kidney disease, adult type. Last evaluated: 2026-06-18. Review status: criteria provided, single submitter. Criteria: LabCorp Variant Classification Summary - May 2015. Collection method: clinical testing. Allele origin: germline.
Comment: Variant summary: PKD1 c.2596_2597delGT (p.Val866GlnfsX5) results in a premature termination codon, predicted to cause a truncation of the encoded protein or absence of the protein due to nonsense mediated decay, which are commonly known mechanisms for disease. The variant was absent in 234350 control chromosomes. To our knowledge, no occurrence of c.2596_2597delGT in individuals affected with PKD1-related conditions and no experimental evidence demonstrating its impact on protein function have been reported. No submitters have cited clinical-significance assessments for this variant to ClinVar. Based on the evidence outlined above, the variant was classified as pathogenic.

NM_001009944.3(PKD1):c.2596_2597del (p.Val866fs)

Gene: PKD1 (polycystin 1, transient receptor potential channel interacting; minus strand). Cytogenetic location: 16p13.3.
Variant type: Microsatellite.
Coding change: c.2596_2597del on transcript NM_001009944.3 (MANE Select); coding-DNA positions 2596 to 2597, 2 bases deleted (GT; older notation c.2596_2597delGT).
Protein change: p.Val866fs; shifts the reading frame from valine 866.
Molecular consequence: frameshift variant.
Genome position (GRCh38, 1-based): chr16:2,114,426-2,114,427, AC deleted on the plus strand (GT on the coding strand, the reverse complement: PKD1 is on the minus strand); deleting any 2 consecutive bases within chr16:2,114,426-2,114,429 gives the same sequence; the c. name uses the placement nearest the transcript's 3' end. VCF-style (leftmost placement, unchanged base first): chr16-2114425-GAC-G. GRCh37 (hg19) VCF-style: chr16-2164426-GAC-G.
Other names: c.2596_2597del, p.Val866fs (NM_000296.4); c.2596_2597delGT (NM_001009944.3); short protein forms V866fs.
Identifiers: ClinVar variation 4887154 (VCV004887154.1).